The following is an entry in ClinVar:

ClinVar aggregate classification (germline): Conflicting classifications of pathogenicity. Review status: criteria provided, conflicting classifications (1 of 4 stars). 5 submissions from 5 submitters: Pathogenic (1); Likely pathogenic (3); Uncertain significance (1). Last evaluated 2025-09-08.

Conditions:
Hereditary cancer-predisposing syndrome. Also called: Hereditary neoplastic syndrome; Neoplastic Syndromes, Hereditary; Tumor predisposition; Hereditary Cancer Syndrome. Identifiers: Orphanet 140162, MedGen C0027672, MeSH D009386, MONDO:0015356.
Fumarase deficiency (FMRD). Also called: Fumaric aciduria; Fumarate Hydratase Deficiency. Identifiers: Orphanet 24, MedGen C0342770, MONDO:0011730, OMIM 606812.

gnomAD v4.1: 5 of 1,544,574 alleles (0.00032%); highest among the groups gnomAD compares: Non-Finnish European, 0.00044%; no homozygotes.

Submissions (5):

Natera, Inc.
Classification: Likely pathogenic for Fumarase Deficiency. Last evaluated: 2025-09-08. Review status: criteria provided, single submitter. Criteria: Natera Variant Classification Schema (03/2026). Collection method: clinical testing. Allele origin: germline.
Comment: The c.6C>G variant in FH is a nonsense variant predicted to introduce a stop codon at amino acid 2. This variant is expected to result in nonsense mediated decay, truncation, or a dysfunctional protein product. This variant is rare in the general population with a frequency below the threshold expected for the associated phenotype(s). Given the available evidence, this variant is classified as Likely Pathogenic.

Labcorp Genetics (formerly Invitae), Labcorp
Classification: Pathogenic. Last evaluated: 2025-06-19. Review status: criteria provided, single submitter. Criteria: Invitae Variant Classification Sherloc (09022015). Collection method: clinical testing. Allele origin: germline.
Comment: This sequence change creates a premature translational stop signal (p.Tyr2*) in the FH gene. FH has two initiator codons, p.Met1 and p.Met44, which result in two different functional isoforms that localize to the mitochondria and cytosol, respectively (PMID: 21929734, 27037871). Loss-of-function variants in FH are known to be pathogenic (PMID: 11865300, 21398687). Variants affecting the mitochondrial isoform confer risk for fumarate hydratase deficiency, while variants that affect the cytosolic isoform confer risk for FH tumor predisposition syndrome. This variant is not present in population databases (gnomAD no frequency). This variant has not been reported in the literature in individuals affected with FH-related conditions. ClinVar contains an entry for this variant (Variation ID: 460375). This variant disrupts the mitochondria-targeting sequence (MTS) of the FH protein, which is important for protein import into the mitochondria (PMID: 27037871). This suggests that disruption of this region is causative of fumarate hydratase deficiency. For these reasons, this variant has been classified as Pathogenic for autosomal recessive fumarate hydratase deficiency. However, this variant is not likely to confer risk for autosomal dominant FH tumor predisposition syndrome.

Ambry Genetics
Classification: Uncertain significance for Hereditary cancer-predisposing syndrome. Last evaluated: 2025-05-01. Review status: criteria provided, single submitter. Criteria: Ambry Variant Classification Scheme 2023. Collection method: clinical testing. Allele origin: germline.
Comment: The p.Y2* alteration (also known as c.6C>G), located in coding exon 1 of the FH gene, results from a C to G substitution at nucleotide position 6. This changes the amino acid from a tyrosine to a stop codon within coding exon 1. The predicted stop codon occurs in the 5&rsquo; end of theFH gene and there is a second in-frame methionine at p.M44. Proteins initiated from the first methionine are targeted to the mitochondrion while proteins initiated from the second methionine are targeted to the cytoplasm due to the lack of the mitochondrial targeting sequence encoded between them (Magrane M et al., Database (Oxford) 2011; bar009; Dik E et al. Traffic, 2016 Jul;17:720-32). Data suggest that it is the cytoplasmic protein that conveys the tumor suppressor function of FH (Yogev O et al. PLoS Biol., 2010 Mar;8:e1000328). This alteration and others that are expected to adversely affect the protein before the second methionine, have been observed in numerous individuals who do not have a personal or family history that is consistent with or suggestive of HLRCC (Ambry internal data). The clinical impact of this variant in terms of the fumarase deficiency is also unclear due to the lack of this variant being associated with this autosomal recessive disease in the literature and internally. Based on the available evidence, the clinical significance of this variant remains unclear.

Baylor Genetics
Classification: Likely pathogenic for Fumarase deficiency. Last evaluated: 2023-11-06. Review status: criteria provided, single submitter. Criteria: ACMG Guidelines, 2015. Collection method: clinical testing. Allele origin: unknown.

GeneDx
Classification: Likely pathogenic. Last evaluated: 2022-06-07. Review status: criteria provided, single submitter. Criteria: GeneDx Variant Classification Process June 2021. Collection method: clinical testing. Allele origin: germline. Affected: yes.
Comment: Nonsense variant predicted to result in protein truncation or nonsense mediated decay in a gene for which loss-of-function is a known mechanism of disease; Not observed at significant frequency in large population cohorts (gnomAD); Has not been previously published as pathogenic or benign to our knowledge; This variant is associated with the following publications: (PMID: 27037871, 25913776, 21929734, 21447597, 20231875)

Literature cited by the submitters: PubMed 21929734 (cited by Labcorp Genetics (formerly Invitae), Labcorp); PubMed 27037871 (cited by Labcorp Genetics (formerly Invitae), Labcorp and Ambry Genetics); PubMed 11865300 (cited by Labcorp Genetics (formerly Invitae), Labcorp); PubMed 21398687 (cited by Labcorp Genetics (formerly Invitae), Labcorp); PubMed 20231875 (cited by Ambry Genetics); PubMed 21447597 (cited by Ambry Genetics); PubMed 25913776 (cited by Ambry Genetics).

NM_000143.4(FH):c.6C>G (p.Tyr2Ter)

Gene: FH (fumarate hydratase; minus strand). Cytogenetic location: 1q43.
Variant type: single nucleotide variant.
Coding change: c.6C>G on transcript NM_000143.4 (MANE Select); coding-DNA position 6, C replaced by G.
Protein change: p.Tyr2Ter; replaces tyrosine 2 with a stop codon.
Molecular consequence: nonsense.
Genome position (GRCh38, 1-based): chr1:241,519,717, G>C on the plus strand (C>G on the coding strand, the complement: FH is on the minus strand). VCF-style: chr1-241519717-G-C. GRCh37 (hg19) VCF-style: chr1-241683017-G-C.
Other names: short protein forms Y2*.
Identifiers: ClinVar variation 460375 (VCV000460375.19), dbSNP rs199971078, ClinGen allele CA40338139.